The following is an entry in ClinVar:

ClinVar aggregate classification (germline): Conflicting classifications of pathogenicity. Review status: criteria provided, conflicting classifications (1 of 4 stars). 6 submissions from 6 submitters: Uncertain significance (2); Likely benign (3). 1 of the submissions does not count toward it. Last evaluated 2024-10-08.

Conditions:
Isolated Nonsyndromic Congenital Heart Disease.
Alagille syndrome due to a JAG1 point mutation. Also called: HEPATIC DUCTULAR HYPOPLASIA, SYNDROMATIC; JAG1-Related Alagille Syndrome; Alagille Syndrome 1. Identifiers: Orphanet 261619, Orphanet 52, MedGen C1956125, MONDO:0016862, OMIM 118450.
JAG1-related disorder. Also called: JAG1-related condition; JAG1-related disorders.

Allele frequency attached by ClinVar (database versions not stated): gnomAD 0.00002 and 0.00003; gnomAD exomes 0.00003; TOPMed 0.00003; ExAC 0.00004.
gnomAD v4.1: 38 of 1,613,898 alleles (0.0024%); highest among the groups gnomAD compares: Non-Finnish European, 0.0028%; no homozygotes.

Submissions (6):

Blueprint Genetics
Classification: Likely benign. Last evaluated: 2024-10-08. Review status: criteria provided, single submitter. Criteria: ACMG Guidelines, 2015. Collection method: clinical testing. Allele origin: germline.

Labcorp Genetics (formerly Invitae), Labcorp
Classification: Likely benign for Alagille syndrome due to a JAG1 point mutation. Last evaluated: 2023-11-28. Review status: criteria provided, single submitter. Criteria: Invitae Variant Classification Sherloc (09022015). Collection method: clinical testing. Allele origin: germline.

CeGaT Center for Human Genetics Tuebingen
Classification: Likely benign. Last evaluated: 2022-07-01. Review status: criteria provided, single submitter. Criteria: CeGaT Center For Human Genetics Tuebingen Variant Classification Criteria Version 2. Collection method: clinical testing. Allele origin: germline. Affected: yes. Observed: 1 variant allele.
Comment: JAG1: BP4, BP7

Eurofins Ntd Llc (ga)
Classification: Uncertain significance. Last evaluated: 2018-01-26. Review status: criteria provided, single submitter. Criteria: EGL Classification Definitions 2015. Collection method: clinical testing. Allele origin: germline. Observed: 2 variant alleles, 2 heterozygotes.

Illumina Laboratory Services, Illumina
Classification: Uncertain significance for Isolated Nonsyndromic Congenital Heart Disease. Last evaluated: 2018-01-13. Review status: criteria provided, single submitter. Criteria: ICSL Variant Classification Criteria 13 December 2019. Collection method: clinical testing. Allele origin: germline.

PreventionGenetics, part of Exact Sciences
Classification: Likely benign for JAG1-related condition. Last evaluated: 2023-08-07. Review status: no assertion criteria provided. Collection method: clinical testing. Allele origin: germline. Not counted in ClinVar's aggregate classification.
Comment: This variant is classified as likely benign based on ACMG/AMP sequence variant interpretation guidelines (Richards et al. 2015 PMID: 25741868, with internal and published modifications).

NM_000214.3(JAG1):c.2199C>T (p.Gly733=)

Gene: JAG1 (jagged canonical Notch ligand 1; minus strand). Cytogenetic location: 20p12.2.
Variant type: single nucleotide variant.
Coding change: c.2199C>T on transcript NM_000214.3 (MANE Select); coding-DNA position 2199, C replaced by T.
Protein change: p.Gly733=; no amino-acid change (glycine 733 retained).
Molecular consequence: synonymous variant.
Genome position (GRCh38, 1-based): chr20:10,645,171, G>A on the plus strand (C>T on the coding strand, the complement: JAG1 is on the minus strand). VCF-style: chr20-10645171-G-A. GRCh37 (hg19) VCF-style: chr20-10625819-G-A.
Other names: c.2199C>T, p.Gly733= (LRG_1191t1).
Identifiers: ClinVar variation 337753 (VCV000337753.43), dbSNP rs756062969, ClinGen allele CA9764608.
Genomic context (GRCh38, chr20:10,645,171, plus strand): 5'-CACTGCAGATCCCACGTGGGGCATAAAGTTACCTATGTTACAGGTTGTTCCTTCCCAGCC[G>A]CCAGGACACATGCACTTAAAAGCATCCCCCTCATCATAGCAGGTGCCACCGTTGTTGCAC-3'
Protein context (NP_000205.1, residues 723-743): EGDAFKCMCP[Gly733=]GWEGTTCNIA